The following is an entry in ClinVar:

ClinVar aggregate classification (germline): Likely benign. Review status: criteria provided, single submitter (1 of 4 stars). 2 submissions from 2 submitters: Likely benign (1). 1 of the submissions does not count toward it. Last evaluated 2013-07-23.

Conditions:
Autosomal recessive nonsyndromic hearing loss 18A. Also called: Deafness, autosomal recessive 18A; DEAFNESS, AUTOSOMAL RECESSIVE 18. Identifiers: Orphanet 90636, MedGen C1865870, MONDO:0011192, OMIM 602092.
Usher syndrome type 1C. Also called: USHER SYNDROME, TYPE I, ACADIAN VARIETY. Identifiers: Orphanet 231169, Orphanet 886, MedGen C1848604, MONDO:0010171, OMIM 276904.

Allele frequency attached by ClinVar (database versions not stated): gnomAD exomes below 0.00001.
gnomAD v4.1: 2 of 1,613,636 alleles (0.00012%); highest among the groups gnomAD compares: Non-Finnish European, 0.00017%; no homozygotes.

Submissions (2):

Laboratory for Molecular Medicine, Mass General Brigham Personalized Medicine
Classification: Likely benign. Last evaluated: 2013-07-23. Review status: criteria provided, single submitter. Criteria: LMM Criteria. Collection method: clinical testing. Allele origin: germline. Observed: 1 variant allele.
Comment: 2655+12G>A in Intron 26 of USH1C: This variant is not expected to have clinical significance because it is not located within the conserved region of the splice consensus sequence.

Counsyl
Classification: Likely benign for Usher syndrome type 1C; Autosomal recessive nonsyndromic hearing loss 18A. Last evaluated: 2017-10-04. Review status: no assertion criteria provided. Collection method: clinical testing. Allele origin: unknown. Not counted in ClinVar's aggregate classification.

NM_153676.4(USH1C):c.2655+12G>A

Gene: USH1C (USH1 protein network component harmonin; minus strand). Cytogenetic location: 11p15.1.
Variant type: single nucleotide variant.
Coding change: c.2655+12G>A on transcript NM_153676.4 (MANE Select); 12 bases into the intron after coding-DNA position 2655, G replaced by A.
Molecular consequence: intron variant.
Genome position (GRCh38, 1-based): chr11:17,495,557, C>T on the plus strand (G>A on the coding strand, the complement: USH1C is on the minus strand). VCF-style: chr11-17495557-C-T. GRCh37 (hg19) VCF-style: chr11-17517104-C-T.
Other names: c.1590-1181G>A (NM_001297764.2); c.1647-1181G>A (NM_005709.4).
Identifiers: ClinVar variation 178938 (VCV000178938.6), dbSNP rs727504552, ClinGen allele CA183352.